The following is an entry in ClinVar:

NM_000784.4(CYP27A1):c.1165G>A (p.Val389Met)

Gene: CYP27A1 (cytochrome P450 family 27 subfamily A member 1; plus strand). Cytogenetic location: 2q35.
Variant type: single nucleotide variant.
Coding change: c.1165G>A on transcript NM_000784.4 (MANE Select); coding-DNA position 1165, G replaced by A.
Protein change: p.Val389Met; replaces valine 389 with methionine.
Molecular consequence: missense variant.
Genome position (GRCh38, 1-based): chr2:218,814,168, G>A. VCF-style: chr2-218814168-G-A. GRCh37 (hg19) VCF-style: chr2-219678891-G-A.
Other names: short protein forms V389M.
Identifiers: ClinVar variation 1381801 (VCV001381801.3), dbSNP rs2105980957, ClinGen allele CA350592600.

ClinVar aggregate classification (germline): Uncertain significance (1 of 4 stars; one submission).

Conditions:
Cholestanol storage disease (CTX). Also called: CEREBRAL CHOLESTERINOSIS; Cerebrotendinous Xanthomatosis; CTX: Cerebrotendinous xanthomatosis. Identifiers: Orphanet 909, MedGen C0238052, MONDO:0008948, OMIM 213700.

Allele frequency attached by ClinVar (database versions not stated): gnomAD exomes below 0.00001.

Submission:

Labcorp Genetics (formerly Invitae), Labcorp
Classification: Uncertain significance for Cholestanol storage disease. Last evaluated: 2022-03-02. Review status: criteria provided, single submitter. Criteria: Invitae Variant Classification Sherloc (09022015). Collection method: clinical testing. Allele origin: germline.
Comment: This sequence change replaces valine, which is neutral and non-polar, with methionine, which is neutral and non-polar, at codon 389 of the CYP27A1 protein (p.Val389Met). This variant is not present in population databases (gnomAD no frequency). This variant has not been reported in the literature in individuals affected with CYP27A1-related conditions. Algorithms developed to predict the effect of missense changes on protein structure and function are either unavailable or do not agree on the potential impact of this missense change (SIFT: "Deleterious"; PolyPhen-2: "Probably Damaging"; Align-GVGD: "Class C0"). In summary, the available evidence is currently insufficient to determine the role of this variant in disease. Therefore, it has been classified as a Variant of Uncertain Significance.